The following is an entry in ClinVar:

NM_001017420.3(ESCO2):c.1554T>A (p.Cys518Ter)

Gene: ESCO2 (establishment of sister chromatid cohesion N-acetyltransferase 2; plus strand). Cytogenetic location: 8p21.1.
Variant type: single nucleotide variant.
Coding change: c.1554T>A on transcript NM_001017420.3 (MANE Select); coding-DNA position 1554, T replaced by A.
Protein change: p.Cys518Ter; replaces cysteine 518 with a stop codon.
Molecular consequence: nonsense.
Genome position (GRCh38, 1-based): chr8:27,799,597, T>A. VCF-style: chr8-27799597-T-A. GRCh37 (hg19) VCF-style: chr8-27657114-T-A.
Other names: short protein forms C518*.
Identifiers: ClinVar variation 2000703 (VCV002000703.4), dbSNP rs1805378816, ClinGen allele CA370827142.

ClinVar aggregate classification (germline): Pathogenic (1 of 4 stars; one submission).

Allele frequency attached by ClinVar (database versions not stated): gnomAD exomes below 0.00001; TOPMed below 0.00001.
gnomAD v4.1: 1 of 1,614,010 alleles (0.000062%); highest among the groups gnomAD compares: Non-Finnish European, 0.000085%; no homozygotes.

Submission:

Labcorp Genetics (formerly Invitae), Labcorp
Classification: Pathogenic. Last evaluated: 2023-03-20. Review status: criteria provided, single submitter. Criteria: Invitae Variant Classification Sherloc (09022015). Collection method: clinical testing. Allele origin: germline.
Comment: For these reasons, this variant has been classified as Pathogenic. ClinVar contains an entry for this variant (Variation ID: 2000703). This variant has not been reported in the literature in individuals affected with ESCO2-related conditions. This variant is not present in population databases (gnomAD no frequency). This sequence change creates a premature translational stop signal (p.Cys518*) in the ESCO2 gene. It is expected to result in an absent or disrupted protein product. Loss-of-function variants in ESCO2 are known to be pathogenic (PMID: 15821733, 16380922).

Literature cited by the submitters: PubMed 15821733; PubMed 16380922.